The following is an entry in ClinVar:

GRCh38/hg38 16p11.2(chr16:29581462-30179247)x3

Genes: ALDOA (aldolase, fructose-bisphosphate A; plus strand), ASPHD1 (aspartate beta-hydroxylase domain containing 1; plus strand), C16orf54 (chromosome 16 open reading frame 54; minus strand), CDIPT (CDP-diacylglycerol--inositol 3-phosphatidyltransferase; minus strand), CDIPTOSP (CDIP transferase opposite strand, pseudogene; plus strand) and 97 more. Cytogenetic location: 16p11.2.
Variant type: copy number gain.
Change: copy number 3 (three copies instead of two) of chr16:29,581,462-30,179,247 (597.8 kb, GRCh38 coordinates, 1-based), cytogenetic band 16p11.2.
Identifiers: ClinVar variation 160841 (VCV000160841.3).

ClinVar aggregate classification (germline): Pathogenic (0 of 4 stars; one submission).

Submission:

ISCA site 14
Classification: Pathogenic. Last evaluated: 2018-02-15. Review status: no assertion criteria provided. Collection method: clinical testing. Allele origin: de novo. Affected: yes. Observed: 1 variant allele.
Comment: Medical records review was possible in 3 out of 4 cases. Two cases presented with phenotypes correlated with the Decipher and MIM:614671 descriptions. For the 4th case, medical records were not available, however.

Copy number variation identified through the course of routine clinical cytogenomic testing in postnatal populations. Clinical assertions have been curated as described in Kaminsky et al. 2011.

Copy number variation identified through the course of routine clinical cytogenomic testing in postnatal populations. Clinical assertions have been curated as described in Kaminsky, et al. 2011 (PubMed 21844811). For additional ClinGen data, please see nstd37.